The following is an entry in ClinVar:

ClinVar aggregate classification (germline): Uncertain significance (1 of 4 stars; one submission).

Conditions:
POLD1-related polyposis and colorectal cancer syndrome (CRCS10). Also called: Colorectal cancer 10; COLORECTAL CANCER, SUSCEPTIBILITY TO, ON CHROMOSOME 19q; Colorectal cancer, susceptibility to, 10. Identifiers: Orphanet 220460, MedGen C2675481, MONDO:0012953, OMIM 612591.

Submission:

Labcorp Genetics (formerly Invitae), Labcorp
Classification: Uncertain significance for POLD1-related polyposis and colorectal cancer syndrome. Last evaluated: 2022-11-03. Review status: criteria provided, single submitter. Criteria: Invitae Variant Classification Sherloc (09022015). Collection method: clinical testing. Allele origin: germline.
Comment: In summary, the available evidence is currently insufficient to determine the role of this variant in disease. Therefore, it has been classified as a Variant of Uncertain Significance. Advanced modeling of protein sequence and biophysical properties (such as structural, functional, and spatial information, amino acid conservation, physicochemical variation, residue mobility, and thermodynamic stability) performed at Invitae indicates that this missense variant is not expected to disrupt POLD1 protein function. ClinVar contains an entry for this variant (Variation ID: 1466603). This variant has not been reported in the literature in individuals affected with POLD1-related conditions. This variant is not present in population databases (gnomAD no frequency). This sequence change replaces isoleucine, which is neutral and non-polar, with valine, which is neutral and non-polar, at codon 231 of the POLD1 protein (p.Ile231Val).

NM_002691.4(POLD1):c.691A>G (p.Ile231Val)

Gene: POLD1 (DNA polymerase delta 1, catalytic subunit; plus strand). Cytogenetic location: 19q13.33.
Variant type: single nucleotide variant.
Coding change: c.691A>G on transcript NM_002691.4 (MANE Select); coding-DNA position 691, A replaced by G.
Protein change: p.Ile231Val; replaces isoleucine 231 with valine.
Molecular consequence: missense variant. On other transcripts: non-coding transcript variant (1).
Genome position (GRCh38, 1-based): chr19:50,402,306, A>G. VCF-style: chr19-50402306-A-G. GRCh37 (hg19) VCF-style: chr19-50905563-A-G.
Other names: c.691A>G, p.Ile231Val (NM_001256849.1, NM_001308632.1); short protein forms I231V.
Identifiers: ClinVar variation 1466603 (VCV001466603.8), dbSNP rs2122245570, ClinGen allele CA406974373.